The following is an entry in ClinVar:

ClinVar aggregate classification (germline): Likely benign (1 of 4 stars; one submission).

gnomAD v4.1: 40 of 1,613,986 alleles (0.0025%); highest among the groups gnomAD compares: Admixed American, 0.01%; no homozygotes.

Submission:

CeGaT Center for Human Genetics Tuebingen
Classification: Likely benign. Last evaluated: 2026-06-01. Review status: criteria provided, single submitter. Criteria: CeGaT Center For Human Genetics Tuebingen Variant Classification Criteria Version 2. Collection method: clinical testing. Allele origin: germline. Affected: yes. Observed: 1 variant allele.
Comment: XKR6: BP4, BP7

NM_173683.4(XKR6):c.1488C>T (p.Gly496=)

Gene: XKR6 (XK related 6). Cytogenetic location: 8p23.1.
Variant type: single nucleotide variant.
Coding change: c.1488C>T on transcript NM_173683.4 (MANE Select); coding-DNA position 1488, C replaced by T.
Protein change: p.Gly496=; no amino-acid change (glycine 496 retained).
Molecular consequence: synonymous variant.
Genome position (GRCh38, 1-based): chr8:10,898,390, G>A on the plus strand (C>T on the coding strand, the complement: XKR6 is on the minus strand). VCF-style: chr8-10898390-G-A. GRCh37 (hg19) VCF-style: chr8-10755900-G-A.
Identifiers: ClinVar variation 4874217 (VCV004874217.2).